The following is an entry in ClinVar:

ClinVar aggregate classification (germline): Likely benign. Review status: reviewed by expert panel (3 of 4 stars). 8 submissions from 8 submitters: Likely benign (1). 7 of the submissions do not count toward it. Last evaluated 2017-06-29.

Conditions:
Breast-ovarian cancer, familial, susceptibility to, 2 (BROVCA2). Also called: BRCA2 Hereditary Breast and Ovarian Cancer. Identifiers: Orphanet 145, MedGen C2675520, MONDO:0012933, OMIM 612555. Disease mechanism: loss of function.
BRCA2-related cancer predisposition. Identifiers: MedGen CN377758, MONDO:0700269.
Hereditary breast ovarian cancer syndrome. Also called: BRCA1- and BRCA2-Associated Hereditary Breast and Ovarian Cancer; Hereditary breast and/or ovarian cancer syndrome; Hereditary breast and ovarian cancer; Hereditary breast and ovarian cancer syndrome; Hereditary breast and ovarian cancer syndrome (HBOC); Breast and ovarian cancer. Identifiers: Orphanet 145, MedGen C0677776, MeSH D061325, MONDO:0003582. Disease mechanism: loss of function.
Hereditary cancer-predisposing syndrome. Also called: Hereditary neoplastic syndrome; Tumor predisposition; Neoplastic Syndromes, Hereditary; Hereditary Cancer Syndrome. Identifiers: Orphanet 140162, MedGen C0027672, MeSH D009386, MONDO:0015356.

Allele frequency attached by ClinVar (database versions not stated): gnomAD exomes below 0.00001; ExAC 0.00001; TOPMed 0.00002.
gnomAD v4.1: 1 of 1,613,806 alleles (0.000062%); highest among the groups gnomAD compares: East Asian, 0.0022%; no homozygotes.

Submissions (8):

Evidence-based Network for the Interpretation of Germline Mutant Alleles (ENIGMA)
Classification: Likely benign for Breast-ovarian cancer, familial, susceptibility to, 2. Last evaluated: 2017-06-29. Review status: reviewed by expert panel. Criteria: ENIGMA BRCA1/2 Classification Criteria (2017-06-29). Collection method: curation. Allele origin: germline.
Comment: Synonymous substitution variant, with low bioinformatic likelihood to result in a splicing aberration (Splicing prior probability 0.02).

Labcorp Genetics (formerly Invitae), Labcorp
Classification: Likely benign for Hereditary breast ovarian cancer syndrome. Last evaluated: 2026-01-24. Review status: criteria provided, single submitter. Criteria: Invitae Variant Classification Sherloc (09022015). Collection method: clinical testing. Allele origin: germline. Not counted in ClinVar's aggregate classification.

All of Us Research Program, National Institutes of Health
Classification: Likely benign for Breast-ovarian cancer, familial, susceptibility to, 2. Last evaluated: 2023-12-01. Review status: criteria provided, single submitter. Criteria: ACMG Guidelines, 2015. Collection method: clinical testing. Allele origin: germline. Inheritance: Autosomal dominant inheritance. Observed: 1 variant allele, 1 heterozygote. Not counted in ClinVar's aggregate classification.
Comment: This study involves interpretation of variants in research participants for the purpose of population health screening. Participant phenotype was not available at the time of variant classification. Additional details can be found in publication PMID: 35346344, PMCID: PMC8962531

Department of Pathology and Laboratory Medicine, Sinai Health System
Classification: Likely benign for BRCA2-related cancer predisposition. Last evaluated: 2022-04-14. Review status: criteria provided, single submitter. Criteria: ACMG Guidelines, 2015. Collection method: clinical testing. Allele origin: germline. Not counted in ClinVar's aggregate classification.

Ambry Genetics
Classification: Likely benign for Hereditary cancer-predisposing syndrome. Last evaluated: 2020-11-09. Review status: criteria provided, single submitter. Criteria: Ambry Variant Classification Scheme 2023. Collection method: clinical testing. Allele origin: germline. Not counted in ClinVar's aggregate classification.

Women's Health and Genetics/Laboratory Corporation of America, LabCorp
Classification: Likely benign. Last evaluated: 2019-08-21. Review status: criteria provided, single submitter. Criteria: LabCorp Variant Classification Summary - May 2015. Collection method: clinical testing. Allele origin: germline. Not counted in ClinVar's aggregate classification.

Color Diagnostics, LLC DBA Color Health
Classification: Likely benign for Hereditary cancer-predisposing syndrome. Last evaluated: 2017-10-26. Review status: criteria provided, single submitter. Criteria: ACMG Guidelines, 2015. Collection method: clinical testing. Allele origin: germline. Not counted in ClinVar's aggregate classification.

ARUP Laboratories, Molecular Genetics and Genomics, ARUP Laboratories
Classification: Likely benign. Last evaluated: 2017-02-17. Review status: criteria provided, single submitter. Criteria: ARUP Molecular Germline Variant Investigation Process. Collection method: clinical testing. Allele origin: germline. Not counted in ClinVar's aggregate classification.

Literature cited by the submitters: PubMed 30287823 (cited by Department of Pathology and Laboratory Medicine, Sinai Health System).

NM_000059.4(BRCA2):c.2820A>G (p.Gln940=)

Gene: BRCA2 (BRCA2 DNA repair associated; plus strand). Cytogenetic location: 13q13.1.
Variant type: single nucleotide variant.
Coding change: c.2820A>G on transcript NM_000059.4 (MANE Select); coding-DNA position 2820, A replaced by G.
Protein change: p.Gln940=; no amino-acid change (glutamine 940 retained).
Molecular consequence: synonymous variant.
Genome position (GRCh38, 1-based): chr13:32,337,175, A>G. VCF-style: chr13-32337175-A-G. GRCh37 (hg19) VCF-style: chr13-32911312-A-G.
Identifiers: ClinVar variation 427526 (VCV000427526.27), dbSNP rs771061558, ClinGen allele CA6940632.